The following is an entry in ClinVar:

ClinVar aggregate classification (germline): Likely benign (0 of 4 stars; one submission).

Conditions:
IRAK3-related disorder. Also called: IRAK3-related condition.

Allele frequency attached by ClinVar (database versions not stated): ExAC 0.00001; gnomAD exomes 0.00001.
gnomAD v4.1: 10 of 1,614,198 alleles (0.00062%); highest among the groups gnomAD compares: South Asian, 0.0055%; no homozygotes.

Submission:

PreventionGenetics, part of Exact Sciences
Classification: Likely benign for IRAK3-related condition. Last evaluated: 2019-06-28. Review status: no assertion criteria provided. Collection method: clinical testing. Allele origin: germline.
Comment: This variant is classified as likely benign based on ACMG/AMP sequence variant interpretation guidelines (Richards et al. 2015 PMID: 25741868, with internal and published modifications).

NM_007199.3(IRAK3):c.1539G>A (p.Glu513=)

Gene: IRAK3 (interleukin 1 receptor associated kinase 3; plus strand). Cytogenetic location: 12q14.3.
Variant type: single nucleotide variant.
Coding change: c.1539G>A on transcript NM_007199.3 (MANE Select); coding-DNA position 1539, G replaced by A.
Protein change: p.Glu513=; no amino-acid change (glutamic acid 513 retained).
Molecular consequence: synonymous variant.
Genome position (GRCh38, 1-based): chr12:66,247,919, G>A. VCF-style: chr12-66247919-G-A. GRCh37 (hg19) VCF-style: chr12-66641699-G-A.
Other names: c.1356G>A, p.Glu452= (NM_001142523.2).
Identifiers: ClinVar variation 3043454 (VCV003043454.2), dbSNP rs777458740, ClinGen allele CA6672975.